The following is an entry in ClinVar:

ClinVar aggregate classification (germline): Uncertain significance (1 of 4 stars; one submission).

Conditions:
Bardet-Biedl syndrome (BBS). Identifiers: Orphanet 110, MedGen C0752166, MONDO:0015229.

Allele frequency attached by ClinVar (database versions not stated): TOPMed below 0.00001.

Submission:

Labcorp Genetics (formerly Invitae), Labcorp
Classification: Uncertain significance for Bardet-Biedl syndrome. Last evaluated: 2021-09-01. Review status: criteria provided, single submitter. Criteria: Invitae Variant Classification Sherloc (09022015). Collection method: clinical testing. Allele origin: germline.
Comment: This sequence change replaces histidine with asparagine at codon 487 of the BBS7 protein (p.His487Asn). The histidine residue is moderately conserved and there is a small physicochemical difference between histidine and asparagine. This variant is not present in population databases (ExAC no frequency). This variant has not been reported in the literature in individuals affected with BBS7-related conditions. Algorithms developed to predict the effect of missense changes on protein structure and function (SIFT, PolyPhen-2, Align-GVGD) all suggest that this variant is likely to be tolerated. In summary, the available evidence is currently insufficient to determine the role of this variant in disease. Therefore, it has been classified as a Variant of Uncertain Significance.

NM_176824.3(BBS7):c.1459C>A (p.His487Asn)

Gene: BBS7 (Bardet-Biedl syndrome 7; minus strand). Cytogenetic location: 4q27.
Variant type: single nucleotide variant.
Coding change: c.1459C>A on transcript NM_176824.3 (MANE Select); coding-DNA position 1459, C replaced by A.
Protein change: p.His487Asn; replaces histidine 487 with asparagine.
Molecular consequence: missense variant.
Genome position (GRCh38, 1-based): chr4:121,835,196, G>T on the plus strand (C>A on the coding strand, the complement: BBS7 is on the minus strand). VCF-style: chr4-121835196-G-T. GRCh37 (hg19) VCF-style: chr4-122756351-G-T.
Other names: c.1459C>A, p.His487Asn (NM_018190.4); short protein forms H487N.
Identifiers: ClinVar variation 1441960 (VCV001441960.5), dbSNP rs1725389767, ClinGen allele CA358058622.